The following is an entry in ClinVar:

ClinVar aggregate classification (germline): Pathogenic. Review status: criteria provided, multiple submitters, no conflicts (2 of 4 stars). 8 submissions from 8 submitters: Pathogenic (7). 1 of the submissions does not count toward it. Last evaluated 2025-10-20.

Conditions:
APC-related disorder. Also called: APC-related condition.
Hereditary cancer-predisposing syndrome. Also called: Tumor predisposition; Hereditary Cancer Syndrome; Hereditary neoplastic syndrome; Neoplastic Syndromes, Hereditary. Identifiers: Orphanet 140162, MedGen C0027672, MeSH D009386, MONDO:0015356.
Familial adenomatous polyposis 1 (FAP1). Also called: FAMILIAL ADENOMATOUS POLYPOSIS 1, ATTENUATED; POLYPOSIS, ADENOMATOUS INTESTINAL. Identifiers: MedGen C2713442, MONDO:0021056, OMIM 175100. Disease mechanism: loss of function.
Carcinoma of colon (CRC). Also called: Colonic carcinoma; Colon carcinoma. Identifiers: MedGen C0699790, MONDO:0002032.

Submissions (8):

Labcorp Genetics (formerly Invitae), Labcorp
Classification: Pathogenic for Familial adenomatous polyposis 1. Last evaluated: 2025-10-20. Review status: criteria provided, single submitter. Criteria: Invitae Variant Classification Sherloc (09022015). Collection method: clinical testing. Allele origin: germline.
Comment: This sequence change creates a premature translational stop signal (p.Tyr935Ilefs*19) in the APC gene. While this is not anticipated to result in nonsense mediated decay, it is expected to disrupt the last 1909 amino acid(s) of the APC protein. This variant is not present in population databases (gnomAD no frequency). This premature translational stop signal has been observed in individual(s) with familial adenomatous polyposis (FAP) (PMID: 9375853, 14961559, 17411426, 21779980). This variant is also known as 2800 Del4 and c.2800_2803delACTT. ClinVar contains an entry for this variant (Variation ID: 429056). This variant is expected to disrupt the EB1 and HDLG binding sites, which mediate interactions with the cytoskeleton (PMID: 15311282, 17293347). While functional studies have not been performed to directly test the effect on APC protein function, this suggests that disruption of the C-terminal portion of the protein is functionally important. A different truncation (p.Tyr2645Lysfs*14) that lies downstream of this variant has been determined to be pathogenic (PMID: 9824584, 1316610, 27081525, 8381579, 22135120, internal data). This suggests that deletion of this region of the APC protein is causative of disease. For these reasons, this variant has been classified as Pathogenic.

Color Diagnostics, LLC DBA Color Health
Classification: Pathogenic for Hereditary cancer-predisposing syndrome. Last evaluated: 2025-05-21. Review status: criteria provided, single submitter. Criteria: ACMG Guidelines, 2015. Collection method: clinical testing. Allele origin: germline.
Comment: This variant deletes 4 nucleotides in exon 16 of the APC gene, creating a frameshift and premature translation stop signal. This variant is expected to result in an absent or non-functional protein product. This variant has been reported in at least 18 individuals affected with familial adenomatous polyposis (PMID: 10768871, 14961559, 15108288, 15951963, 17411426, 18433509, 19029688, 20223039, 21779980, 8187091, 9375853, 9950360). This variant has not been identified in the general population by the Genome Aggregation Database (gnomAD). Loss of APC function is a known mechanism of disease. Based on the available evidence, this variant is classified as Pathogenic.

Ambry Genetics
Classification: Pathogenic for Hereditary cancer-predisposing syndrome. Last evaluated: 2025-01-07. Review status: criteria provided, single submitter. Criteria: Ambry Variant Classification Scheme 2023. Collection method: clinical testing. Allele origin: germline.
Comment: The c.2802_2805delTTAC pathogenic mutation, located in coding exon 15 of the APC gene, results from a deletion of 4 nucleotides at nucleotide positions 2802 to 2805, causing a translational frameshift with a predicted alternate stop codon (p.Y935Ifs*19). This alteration occurs at the 3' terminus of theAPC gene, is not expected to trigger nonsense-mediated mRNA decay, and impacts the last 1909 amino acids of the protein. However, premature stop codons are typically deleterious in nature and the impacted region is critical for protein function (Ambry internal data). Additionally, this mutation has been reported in multiple unrelated FAP families (Khan N et al. Sci Rep. 2017 May;7:2214; Plawski A, Slomski R. J Appl Genet. 2008;49(4):407-14; Friedl W et al. Hered Cancer Clin Pract. 2005 Sep;3:95-114; Wallis YL et al. J. Med. Genet. 1999 Jan;36:14-20). Based on the supporting evidence, this alteration is interpreted as a disease-causing mutation.

Myriad Genetics, Inc.
Classification: Pathogenic for Familial adenomatous polyposis 1. Last evaluated: 2023-05-05. Review status: criteria provided, single submitter. Criteria: Myriad Autosomal Dominant, Autosomal Recessive and X-Linked Classification Criteria (2023). Collection method: clinical testing. Allele origin: unknown.
Comment: This variant is considered pathogenic. This variant creates a frameshift predicted to result in premature protein truncation.

Institute for Genomic Medicine (IGM) Clinical Laboratory, Nationwide Children's Hospital
Classification: Pathogenic for Familial adenomatous polyposis 1. Last evaluated: 2023-02-08. Review status: criteria provided, single submitter. Criteria: ACMG Guidelines, 2015. Collection method: clinical testing. Allele origin: germline.
Comment: This variant is predicted to result in loss of function through nonsense-mediated decay of the encoded transcript or premature truncation of the encoded protein in a gene in which loss of function is a known mechanism of disease (ACMG/AMP: PVS1; PMIDs:1316610, 8730280, 10768871, 16134147). This variant has been reported at an elevated frequency in affected individuals/in multiple affected individuals in the literature (ACMG/AMP: PS4; PMIDs:9375853, 14961559, 17411426, 21779980, 28533537). This variant is absent from or present at an exceedingly low frequency in gnomAD, a large-scale control population database (ACMG/AMP: PM2).

Blueprint Genetics
Classification: Pathogenic for APC-related disorders. Last evaluated: 2021-12-31. Review status: criteria provided, single submitter. Criteria: ACMG Guidelines, 2015. Collection method: clinical testing. Allele origin: germline. Affected: yes. Observed: 1 variant allele.

Quest Diagnostics Nichols Institute San Juan Capistrano
Classification: Pathogenic. Last evaluated: 2016-10-25. Review status: criteria provided, single submitter. Criteria: Quest Diagnostics criteria. Collection method: clinical testing. Allele origin: germline.

Department of Pathology and Laboratory Medicine, Sinai Health System
Classification: Pathogenic for Carcinoma of colon. Review status: no assertion criteria provided. Collection method: clinical testing. Allele origin: unknown. Affected: yes. Observed: 1 variant allele. Study: The Canadian Open Genetics Repository (COGR). Not counted in ClinVar's aggregate classification.
Comment: The APC p.Tyr935IlefsX19 variant was identified in 11 of 4890 proband chromosomes (frequency: 0.002) from individuals or families with FAP (Wallis 1999, Friedl 2005, Kanter-Smoler 2008, Plawski 2008, Bisgaard 2004). The variant was also identified in the COSMIC database 3X, and the InSiGHT Colon Cancer Gene Variant Database 19X as pathogenic. The variant was not identified in the Clinvitae database, â€šÃ„ÃºMismatch Repair Genes Variant Databaseâ€šÃ„Ã¹, â€šÃ„ÃºMMR Gene Unclassified Variants Databaseâ€šÃ„Ã¹, â€šÃ„ÃºZhejiang Colon Cancer Databaseâ€šÃ„Ã¹, the ClinVar database, GeneInsight COGR database, or UMD. The p.Tyr935IlefsX19 deletion variant is predicted to cause a frameshift, which alters the protein's amino acid sequence beginning at codon 935 and leads to a premature stop codon at position 953. This alteration is then predicted to result in a truncated or absent protein and loss of function. In addition, several studies have reported a mutation in FAP patients 2 bp upstream at c.2800_2803delACTT which leads to a premature stop codon at the same amino acid position, 953 (Miyaki 1994, Enomoto 2000, Armstrong 1997, Stekrova 2007, DeRosa 2003). Loss of function variants of the APC gene are an established mechanism of disease in familial adenomatous polyposis and is the type of variant expected to cause the disorder. In summary, based on the above information, this variant meets our laboratoryâ€šÃ„Ã´s criteria to be classified as pathogenic.

Literature cited by the submitters: PubMed 9375853 (cited by 5 submitters); PubMed 14961559 (cited by 4 submitters); PubMed 17411426 (cited by 4 submitters); PubMed 21779980 (cited by 4 submitters); PubMed 15311282 (cited by Labcorp Genetics (formerly Invitae), Labcorp); PubMed 17293347 (cited by Labcorp Genetics (formerly Invitae), Labcorp); PubMed 9824584 (cited by Labcorp Genetics (formerly Invitae), Labcorp); PubMed 1316610 (cited by Labcorp Genetics (formerly Invitae), Labcorp and Institute for Genomic Medicine (IGM) Clinical Laboratory, Nationwide Children's Hospital); PubMed 27081525 (cited by Labcorp Genetics (formerly Invitae), Labcorp); PubMed 8381579 (cited by Labcorp Genetics (formerly Invitae), Labcorp); PubMed 22135120 (cited by Labcorp Genetics (formerly Invitae), Labcorp); PubMed 8187091 (cited by 3 submitters); PubMed 9950360 (cited by 3 submitters); PubMed 10768871 (cited by Color Diagnostics, LLC DBA Color Health and Institute for Genomic Medicine (IGM) Clinical Laboratory, Nationwide Children's Hospital); PubMed 15108288 (cited by Color Diagnostics, LLC DBA Color Health); PubMed 15951963 (cited by Color Diagnostics, LLC DBA Color Health); PubMed 18433509 (cited by Color Diagnostics, LLC DBA Color Health and Quest Diagnostics Nichols Institute San Juan Capistrano); PubMed 19029688 (cited by 3 submitters); PubMed 20223039 (cited by 3 submitters); PubMed 21653199 (cited by Ambry Genetics and Quest Diagnostics Nichols Institute San Juan Capistrano); PubMed 28533537 (cited by Ambry Genetics and Institute for Genomic Medicine (IGM) Clinical Laboratory, Nationwide Children's Hospital); PubMed 8730280 (cited by Institute for Genomic Medicine (IGM) Clinical Laboratory, Nationwide Children's Hospital); PubMed 16134147 (cited by Institute for Genomic Medicine (IGM) Clinical Laboratory, Nationwide Children's Hospital).

NM_000038.6(APC):c.2802_2805del (p.Tyr935fs)

Gene: APC (APC regulator of Wnt signaling pathway; plus strand). Cytogenetic location: 5q22.2.
Variant type: Deletion.
Coding change: c.2802_2805del on transcript NM_000038.6 (MANE Select); coding-DNA positions 2802 to 2805, 4 bases deleted (TTAC; older notation c.2802_2805delTTAC).
Protein change: p.Tyr935fs; shifts the reading frame from tyrosine 935.
Molecular consequence: frameshift variant.
Genome position (GRCh38, 1-based): chr5:112,838,396-112,838,399, TTAC deleted; deleting any 4 consecutive bases within chr5:112,838,394-112,838,399 gives the same sequence; the c. name uses the placement nearest the transcript's 3' end. VCF-style (leftmost placement, unchanged base first): chr5-112838393-CACTT-C. GRCh37 (hg19) VCF-style: chr5-112174090-CACTT-C.
Other names: c.2802_2805del, p.Tyr935fs (NM_001127510.3, NM_001354895.2); c.2748_2751del, p.Tyr917fs (NM_001127511.3); c.2856_2859del, p.Tyr953fs (NM_001354896.2); c.2832_2835del, p.Tyr945fs (NM_001354897.2); c.2727_2730del, p.Tyr910fs (NM_001354898.2); c.2718_2721del, p.Tyr907fs (NM_001354899.2); c.2679_2682del, p.Tyr894fs (NM_001354900.2); c.2625_2628del, p.Tyr876fs (NM_001354901.2); and 5 more; short protein forms Y876fs, Y910fs, Y935fs, Y945fs, Y775fs, Y809fs, Y834fs, Y894fs.
Identifiers: ClinVar variation 429056 (VCV000429056.22), dbSNP rs1131691143, ClinGen allele CA645369362.